The following is an entry in ClinVar:

NM_000214.3(JAG1):c.65G>C (p.Cys22Ser)

Gene: JAG1 (jagged canonical Notch ligand 1; minus strand). Cytogenetic location: 20p12.2.
Variant type: single nucleotide variant.
Coding change: c.65G>C on transcript NM_000214.3 (MANE Select); coding-DNA position 65, G replaced by C.
Protein change: p.Cys22Ser; replaces cysteine 22 with serine.
Molecular consequence: missense variant.
Genome position (GRCh38, 1-based): chr20:10,673,466, C>G on the plus strand (G>C on the coding strand, the complement: JAG1 is on the minus strand). VCF-style: chr20-10673466-C-G. GRCh37 (hg19) VCF-style: chr20-10654114-C-G.
Other names: short protein forms C22S.
Identifiers: ClinVar variation 3573137 (VCV003573137.2).

Conditions:
Arteriohepatic dysplasia. Also called: Alagille Syndrome. Identifiers: Orphanet 52, MedGen C0085280, MeSH D016738, MONDO:0007318.

Submission:

Gilbert/Spinner Lab, Children's Hospital of Philadelphia
No classification provided (evidence only). Condition: Alagille syndrome. Review status: no classification provided. Collection method: research. Allele origin: not applicable. Functional consequence: functionally_abnormal.
ClinVar note: "not provided" was previously submitted as the classification for the variant. However, the classification appeared to be based only on an observation of functional data so it was converted to no classification on 2025-07-30.